The following is an entry in ClinVar:

ClinVar aggregate classification (germline): Uncertain significance (1 of 4 stars; one submission).

Submission:

GeneDx
Classification: Uncertain significance. Last evaluated: 2024-03-25. Review status: criteria provided, single submitter. Criteria: GeneDx Variant Classification Process June 2021. Collection method: clinical testing. Allele origin: germline. Affected: yes.
Comment: Not observed at significant frequency in large population cohorts (gnomAD); In silico analysis supports that this missense variant does not alter protein structure/function; Has not been previously published as pathogenic or benign to our knowledge

NM_013450.4(BAZ2B):c.2020A>G (p.Lys674Glu)

Gene: BAZ2B (bromodomain adjacent to zinc finger domain 2B; minus strand). Cytogenetic location: 2q24.2.
Variant type: single nucleotide variant.
Coding change: c.2020A>G on transcript NM_013450.4 (MANE Select); coding-DNA position 2020, A replaced by G.
Protein change: p.Lys674Glu; replaces lysine 674 with glutamic acid.
Molecular consequence: missense variant.
Genome position (GRCh38, 1-based): chr2:159,431,037, T>C on the plus strand (A>G on the coding strand, the complement: BAZ2B is on the minus strand). VCF-style: chr2-159431037-T-C. GRCh37 (hg19) VCF-style: chr2-160287548-T-C.
Other names: c.2014A>G, p.Lys672Glu (NM_001289975.1); c.1831A>G, p.Lys611Glu (NM_001329857.2); c.2020A>G, p.Lys674Glu (NM_001329858.2); short protein forms K611E, K672E, K674E.
Identifiers: ClinVar variation 3371239 (VCV003371239.1).
Genomic context (GRCh38, chr2:159,431,037, plus strand): 5'-TACGAGGTGTTGAGTGACCTGTGAGACTCATGGAAGGGCTTTTGACAGAGGAAGTTGTTT[T>C]ATTCAGTTTCATTGAAGTTTTCTCTCCTTCAGTATCACTATCTGATTCATCTTGGTCTTT-3'
Protein context (NP_038478.2, residues 664-684): EGEKTSMKLN[Lys674Glu]TTSSVKSPSM